The following is an entry in ClinVar:

NM_025074.7(FRAS1):c.9481C>G (p.Leu3161Val)

Gene: FRAS1 (Fraser extracellular matrix complex subunit 1; plus strand). Cytogenetic location: 4q21.21.
Variant type: single nucleotide variant.
Coding change: c.9481C>G on transcript NM_025074.7 (MANE Select); coding-DNA position 9481, C replaced by G.
Protein change: p.Leu3161Val; replaces leucine 3161 with valine.
Molecular consequence: missense variant.
Genome position (GRCh38, 1-based): chr4:78,507,585, C>G. VCF-style: chr4-78507585-C-G. GRCh37 (hg19) VCF-style: chr4-79428739-C-G.
Other names: short protein forms L3161V.
Identifiers: ClinVar variation 4294037 (VCV004294037.1).

ClinVar aggregate classification (germline): Uncertain significance (1 of 4 stars; one submission).

Conditions:
Fraser syndrome 1 (FRASRS1). Also called: CRYPTOPHTHALMOS WITH OTHER MALFORMATIONS. Identifiers: Orphanet 2052, MedGen C4551480, MONDO:0054737, OMIM 219000.

gnomAD v4.1: 8 of 1,601,038 alleles (0.0005%); highest among the groups gnomAD compares: East Asian, 0.016%; no homozygotes.

Submission:

3billion
Classification: Uncertain significance for Fraser syndrome 1. Last evaluated: 2024-06-12. Review status: criteria provided, single submitter. Criteria: ACMG Guidelines, 2015. Collection method: clinical testing. Allele origin: germline. Affected: yes.
Comment: The variant is observed at an extremely low frequency in the gnomAD v4.0.0 dataset (total allele frequency: <0.001%). Predicted Consequence/Location: The majority of the known disease-causing variants of this gene are variants expected to result in premature termination of the protein. Damaging effect on gene or gene product predicted by in silico programs is uncertain [REVEL: 0.39 (damaging >=0.6, benign <0.4), 3Cnet: 0.25 (damaging >=0.6, benign <0.15)]. The variant has been reported as of uncertain significance (PMID: 34246755). Therefore, this variant is classified as VUS according to the recommendation of ACMG/AMP guideline.